The following is an entry in ClinVar:

ClinVar aggregate classification (germline): Uncertain significance (1 of 4 stars; one submission).

gnomAD v4.1: 5 of 1,614,126 alleles (0.00031%); highest among the groups gnomAD compares: Non-Finnish European, 0.00042%; no homozygotes.

Submission:

Labcorp Genetics (formerly Invitae), Labcorp
Classification: Uncertain significance. Last evaluated: 2021-09-02. Review status: criteria provided, single submitter. Criteria: Invitae Variant Classification Sherloc (09022015). Collection method: clinical testing. Allele origin: germline.
Comment: This sequence change replaces arginine with glycine at codon 371 of the SKIV2L protein (p.Arg371Gly). The arginine residue is highly conserved and there is a moderate physicochemical difference between arginine and glycine. This variant is not present in population databases (ExAC no frequency). This variant has not been reported in the literature in individuals affected with SKIV2L-related conditions. Algorithms developed to predict the effect of missense changes on protein structure and function are either unavailable or do not agree on the potential impact of this missense change (SIFT: "Deleterious"; PolyPhen-2: "Probably Damaging"; Align-GVGD: "Class C0"). In summary, the available evidence is currently insufficient to determine the role of this variant in disease. Therefore, it has been classified as a Variant of Uncertain Significance.

NM_006929.5(SKIC2):c.1111C>G (p.Arg371Gly)

Genes: SKIC2 (SKI2 subunit of superkiller complex; plus strand), LOC126859653 (CDK7 strongly-dependent group 2 enhancer GRCh37_chr6:31929542-31930741; plus strand). Cytogenetic location: 6p21.33.
Variant type: single nucleotide variant.
Coding change: c.1111C>G on transcript NM_006929.5 (MANE Select); coding-DNA position 1111, C replaced by G.
Protein change: p.Arg371Gly; replaces arginine 371 with glycine.
Molecular consequence: missense variant.
Genome position (GRCh38, 1-based): chr6:31,962,485, C>G. VCF-style: chr6-31962485-C-G. GRCh37 (hg19) VCF-style: chr6-31930262-C-G.
Other names: short protein forms R371G.
Identifiers: ClinVar variation 1474535 (VCV001474535.5), dbSNP rs560639276, ClinGen allele CA136906895.